The following is an entry in ClinVar:

ClinVar aggregate classification (germline): Uncertain significance. Review status: criteria provided, multiple submitters, no conflicts (2 of 4 stars). 2 submissions from 2 submitters: Uncertain significance (2). Last evaluated 2025-07-20.

Conditions:
Inborn genetic diseases. Identifiers: MedGen C0950123, MeSH D030342.

Allele frequency attached by ClinVar (database versions not stated): gnomAD exomes 0.00006; ExAC 0.00007; TOPMed 0.00007; gnomAD 0.00012.

Submissions (2):

Labcorp Genetics (formerly Invitae), Labcorp
Classification: Uncertain significance. Last evaluated: 2025-07-20. Review status: criteria provided, single submitter. Criteria: Invitae Variant Classification Sherloc (09022015). Collection method: clinical testing. Allele origin: germline.
Comment: This sequence change replaces arginine, which is basic and polar, with tryptophan, which is neutral and slightly polar, at codon 157 of the CFP protein (p.Arg157Trp). This variant is present in population databases (rs745424947, gnomAD 0.02%). This variant has not been reported in the literature in individuals affected with CFP-related conditions. ClinVar contains an entry for this variant (Variation ID: 1505433). Invitae Evidence Modeling of protein sequence and biophysical properties (such as structural, functional, and spatial information, amino acid conservation, physicochemical variation, residue mobility, and thermodynamic stability) indicates that this missense variant is not expected to disrupt CFP protein function with a negative predictive value of 80%. In summary, the available evidence is currently insufficient to determine the role of this variant in disease. Therefore, it has been classified as a Variant of Uncertain Significance.

Ambry Genetics
Classification: Uncertain significance for Inborn genetic diseases. Last evaluated: 2024-09-24. Review status: criteria provided, single submitter. Criteria: Ambry Variant Classification Scheme 2023. Collection method: clinical testing. Allele origin: germline.

NM_001145252.3(CFP):c.469C>T (p.Arg157Trp)

Gene: CFP (complement factor properdin; minus strand). Cytogenetic location: Xp11.23.
Variant type: single nucleotide variant.
Coding change: c.469C>T on transcript NM_001145252.3 (MANE Select); coding-DNA position 469, C replaced by T.
Protein change: p.Arg157Trp; replaces arginine 157 with tryptophan.
Molecular consequence: missense variant.
Genome position (GRCh38, 1-based): chrX:47,627,576, G>A on the plus strand (C>T on the coding strand, the complement: CFP is on the minus strand). VCF-style: chrX-47627576-G-A. GRCh37 (hg19) VCF-style: chrX-47486975-G-A.
Other names: c.469C>T, p.Arg157Trp (NM_002621.2); short protein forms R157W.
Identifiers: ClinVar variation 1505433 (VCV001505433.9), dbSNP rs745424947, ClinGen allele CA10398954.
Genomic context (GRCh38, chrX:47,627,576, plus strand): 5'-GTCCTGGGCAGTGGCCCCCACACTTGGGAGCAGGGTGATTACAGGCTCGCCTGCGGGTCC[G>A]GGTCCCTTTGGAGCAGGTGACAGAGCAAGGCTCCCAGGGCCCCCAGCCAGACCAGCCGCC-3'
Protein context (NP_001138724.1, residues 147-167): PCSVTCSKGT[Arg157Trp]TRRRACNHPA